The following is an entry in ClinVar:

NM_001042492.3(NF1):c.146A>T (p.Tyr49Phe)

Gene: NF1 (neurofibromin 1; plus strand). Cytogenetic location: 17q11.2.
Variant type: single nucleotide variant.
Coding change: c.146A>T on transcript NM_001042492.3 (MANE Select); coding-DNA position 146, A replaced by T.
Protein change: p.Tyr49Phe; replaces tyrosine 49 with phenylalanine.
Molecular consequence: missense variant.
Genome position (GRCh38, 1-based): chr17:31,156,068, A>T. VCF-style: chr17-31156068-A-T. GRCh37 (hg19) VCF-style: chr17-29483086-A-T.
Other names: c.146A>T, p.Tyr49Phe (NM_000267.4, NM_001128147.3); short protein forms Y49F.
Identifiers: ClinVar variation 2096318 (VCV002096318.4), dbSNP rs2143626634, ClinGen allele CA398988468.

ClinVar aggregate classification (germline): Uncertain significance (1 of 4 stars; one submission).

Conditions:
Neurofibromatosis, type 1 (NF1). Also called: NEUROFIBROMATOSIS, TYPE I, SOMATIC; Neurofibromatosis, type I; Peripheral type neurofibromatosis; VON RECKLINGHAUSEN DISEASE. Identifiers: Orphanet 636, MedGen C0027831, MONDO:0018975, OMIM 162200. Disease mechanism: loss of function.

Submission:

Labcorp Genetics (formerly Invitae), Labcorp
Classification: Uncertain significance for Neurofibromatosis, type 1. Last evaluated: 2022-02-11. Review status: criteria provided, single submitter. Criteria: Invitae Variant Classification Sherloc (09022015). Collection method: clinical testing. Allele origin: germline.
Comment: In summary, the available evidence is currently insufficient to determine the role of this variant in disease. Therefore, it has been classified as a Variant of Uncertain Significance. Advanced modeling of protein sequence and biophysical properties (such as structural, functional, and spatial information, amino acid conservation, physicochemical variation, residue mobility, and thermodynamic stability) performed at Invitae indicates that this missense variant is not expected to disrupt NF1 protein function. This variant has not been reported in the literature in individuals affected with NF1-related conditions. This variant is not present in population databases (gnomAD no frequency). This sequence change replaces tyrosine, which is neutral and polar, with phenylalanine, which is neutral and non-polar, at codon 49 of the NF1 protein (p.Tyr49Phe).